The following is an entry in ClinVar:

ClinVar aggregate classification (germline): Pathogenic. Review status: criteria provided, multiple submitters, no conflicts (2 of 4 stars). 2 submissions from 2 submitters: Pathogenic (2). Last evaluated 2025-11-20.

Conditions:
Familial cancer of breast. Also called: Hereditary breast cancer; hereditary breast carcinoma; BREAST CANCER, FAMILIAL. Identifiers: Orphanet 227535, MedGen C0346153, MONDO:0016419, OMIM 114480. Disease mechanism: loss of function.

Submissions (2):

Myriad Genetics, Inc.
Classification: Pathogenic for Familial cancer of breast. Last evaluated: 2025-11-20. Review status: criteria provided, single submitter. Criteria: Myriad Autosomal Dominant, Autosomal Recessive and X-Linked Classification Criteria (2023). Collection method: clinical testing. Allele origin: unknown.
Comment: This variant is considered pathogenic. This variant creates a frameshift predicted to result in premature protein truncation.

Labcorp Genetics (formerly Invitae), Labcorp
Classification: Pathogenic for Familial cancer of breast. Last evaluated: 2025-08-17. Review status: criteria provided, single submitter. Criteria: Invitae Variant Classification Sherloc (09022015). Collection method: clinical testing. Allele origin: germline.
Comment: This sequence change creates a premature translational stop signal (p.Leu391Trpfs*23) in the CHEK2 gene. It is expected to result in an absent or disrupted protein product. Loss-of-function variants in CHEK2 are known to be pathogenic (PMID: 21876083, 24713400). This variant is not present in population databases (gnomAD no frequency). This variant has not been reported in the literature in individuals affected with CHEK2-related conditions. ClinVar contains an entry for this variant (Variation ID: 1453518). For these reasons, this variant has been classified as Pathogenic.

Literature cited by the submitters: PubMed 21876083 (cited by Labcorp Genetics (formerly Invitae), Labcorp); PubMed 24713400 (cited by Labcorp Genetics (formerly Invitae), Labcorp).

NM_007194.4(CHEK2):c.1170del (p.Leu391fs)

Gene: CHEK2 (checkpoint kinase 2; minus strand). Cytogenetic location: 22q12.1.
Variant type: Deletion.
Coding change: c.1170del on transcript NM_007194.4 (MANE Select); coding-DNA position 1170, one base deleted (C; older notation c.1170delC).
Protein change: p.Leu391fs; shifts the reading frame from leucine 391.
Molecular consequence: frameshift variant.
Genome position (GRCh38, 1-based): chr22:28,695,799, G deleted on the plus strand (C on the coding strand, the reverse complement: CHEK2 is on the minus strand). VCF-style (leftmost placement, unchanged base first): chr22-28695798-AG-A. GRCh37 (hg19) VCF-style: chr22-29091786-AG-A.
Other names: c.1299delC, p.Leu434Trpfs (NM_001005735.3); c.507delC, p.Leu170Trpfs (NM_001257387.3); c.969delC, p.Leu324Trpfs (NM_001349956.3); c.1083delC, p.Leu362Trpfs (NM_145862.3); short protein forms L391fs, L170fs, L324fs, L434fs, L362fs.
Identifiers: ClinVar variation 1453518 (VCV001453518.8), dbSNP rs2145804427, ClinGen allele CA2573157970.
Genomic context (GRCh38, chr22:28,695,798, plus strand): 5'-AGCAGTCCACAGCACGGTTATACCCAGCAGTCCCAACAGAAACAAGAACTTCAGGCGCCA[AG>A]TAGGTGGGGGTTCCACATAAGGTTCTCATGAGAGAGGTCTCTCCCAAAATCTTGGAGTGC-3'